The following is an entry in ClinVar:

NM_003179.3(SYP):c.584A>G (p.Asp195Gly)

Gene: SYP (synaptophysin; minus strand). Cytogenetic location: Xp11.23.
Variant type: single nucleotide variant.
Coding change: c.584A>G on transcript NM_003179.3 (MANE Select); coding-DNA position 584, A replaced by G.
Protein change: p.Asp195Gly; replaces aspartic acid 195 with glycine.
Molecular consequence: missense variant.
Genome position (GRCh38, 1-based): chrX:49,193,303, T>C on the plus strand (A>G on the coding strand, the complement: SYP is on the minus strand). VCF-style: chrX-49193303-T-C. GRCh37 (hg19) VCF-style: chrX-49049760-T-C.
Other names: short protein forms D195G.
Identifiers: ClinVar variation 3336213 (VCV003336213.1).

ClinVar aggregate classification (germline): Uncertain significance (1 of 4 stars; one submission).

gnomAD v4.1: 2 of 1,211,752 alleles (0.00017%); highest among the groups gnomAD compares: Non-Finnish European, 0.00011%; no homozygotes.

Submission:

Women's Health and Genetics/Laboratory Corporation of America, LabCorp
Classification: Uncertain significance. Last evaluated: 2024-05-29. Review status: criteria provided, single submitter. Criteria: LabCorp Variant Classification Summary - May 2015. Collection method: clinical testing. Allele origin: germline.
Comment: Variant summary: SYP c.584A>G (p.Asp195Gly) results in a non-conservative amino acid change located in the Marvel domain (IPR008253) of the encoded protein sequence. Three of five in-silico tools predict a damaging effect of the variant on protein function. The variant allele was found at a frequency of 1.1e-05 in 182050 control chromosomes. The available data on variant occurrences in the general population are insufficient to allow any conclusion about variant significance. To our knowledge, no occurrence of c.584A>G in individuals affected with Intellectual Disability, X-Linked 96 and no experimental evidence demonstrating its impact on protein function have been reported. No submitters have cited clinical-significance assessments for this variant to ClinVar. Based on the evidence outlined above, the variant was classified as uncertain significance.